The following is an entry in ClinVar:

NM_001001331.4(ATP2B2):c.3420+1997T>C

Gene: ATP2B2 (ATPase plasma membrane Ca2+ transporting 2; minus strand). Cytogenetic location: 3p25.3.
Variant type: single nucleotide variant.
Coding change: c.3420+1997T>C on transcript NM_001001331.4 (MANE Select); 1997 bases into the intron after coding-DNA position 3420, T replaced by C.
Molecular consequence: intron variant. On other transcripts: missense variant (2).
Genome position (GRCh38, 1-based): chr3:10,336,179, A>G on the plus strand (T>C on the coding strand, the complement: ATP2B2 is on the minus strand). VCF-style: chr3-10336179-A-G. GRCh37 (hg19) VCF-style: chr3-10377863-A-G.
Other names: c.3407T>C, p.Leu1136Ser (NM_001330611.3, NM_001363862.1); c.3285+1997T>C (NM_001353564.1, NM_001683.5); short protein forms L1136S.
Identifiers: ClinVar variation 3372566 (VCV003372566.1).

ClinVar aggregate classification (germline): Uncertain significance (1 of 4 stars; one submission).

Submission:

GeneDx
Classification: Uncertain significance. Last evaluated: 2024-04-16. Review status: criteria provided, single submitter. Criteria: GeneDx Variant Classification Process June 2021. Collection method: clinical testing. Allele origin: germline. Affected: yes.
Comment: Not observed at significant frequency in large population cohorts (gnomAD); In silico analysis does not support a benign or deleterious effect of this variant on protein structure/function; Has not been previously published as pathogenic or benign to our knowledge; Reported using an alternate transcript of the gene